The following is an entry in ClinVar:

NM_017739.4(POMGNT1):c.1403C>T (p.Thr468Ile)

Genes: POMGNT1 (protein O-linked mannose N-acetylglucosaminyltransferase 1 (beta 1,2-); minus strand), TSPAN1 (tetraspanin 1; plus strand). Cytogenetic location: 1p34.1.
Variant type: single nucleotide variant.
Coding change: c.1403C>T on transcript NM_017739.4 (MANE Select); coding-DNA position 1403, C replaced by T.
Protein change: p.Thr468Ile; replaces threonine 468 with isoleucine.
Molecular consequence: missense variant.
Genome position (GRCh38, 1-based): chr1:46,192,318, G>A on the plus strand (C>T on the coding strand, the complement: POMGNT1 is on the minus strand). VCF-style: chr1-46192318-G-A. GRCh37 (hg19) VCF-style: chr1-46657990-G-A.
Other names: c.1403C>T, p.Thr468Ile (NM_001243766.2, NM_001410783.1); c.1337C>T, p.Thr446Ile (NM_001290129.3); c.974C>T, p.Thr325Ile (NM_001290130.2); short protein forms T325I, T446I, T468I.
Identifiers: ClinVar variation 1060376 (VCV001060376.7), dbSNP rs2148185390, ClinGen allele CA340174786.

ClinVar aggregate classification (germline): Uncertain significance. Review status: criteria provided, multiple submitters, no conflicts (2 of 4 stars). 2 submissions from 2 submitters: Uncertain significance (2). Last evaluated 2024-01-29.

Conditions:
Autosomal recessive limb-girdle muscular dystrophy type 2O. Also called: Limb-Girdle Muscular Dystrophy Type 3C; MUSCULAR DYSTROPHY-DYSTROGLYCANOPATHY (LIMB-GIRDLE), TYPE C, 3; MUSCULAR DYSTROPHY-DYSTROGLYCANOPATHY, LIMB-GIRDLE, POMGNT1-RELATED. Identifiers: Orphanet 206564, MedGen C3150417, MONDO:0013161, OMIM 613157.
Muscular dystrophy-dystroglycanopathy (congenital with impaired intellectual development), type B, 3. Also called: MUSCULAR DYSTROPHY, CONGENITAL, POMGNT1-RELATED; Muscular dystrophy-dystroglycanopathy (congenital with intellectual disability), type B3. Identifiers: MedGen C3150412, MONDO:0013155, OMIM 613151.

gnomAD v4.1: 1 of 1,614,192 alleles (0.000062%); highest among the groups gnomAD compares: Non-Finnish European, 0.000085%; no homozygotes.

Submissions (2):

Blueprint Genetics
Classification: Uncertain significance. Last evaluated: 2024-01-29. Review status: criteria provided, single submitter. Criteria: ACMG Guidelines, 2015. Collection method: clinical testing. Allele origin: germline.

Labcorp Genetics (formerly Invitae), Labcorp
Classification: Uncertain significance for Autosomal recessive limb-girdle muscular dystrophy type 2O; Muscular dystrophy-dystroglycanopathy (congenital with impaired intellectual development), type B, 3. Last evaluated: 2022-08-16. Review status: criteria provided, single submitter. Criteria: Invitae Variant Classification Sherloc (09022015). Collection method: clinical testing. Allele origin: germline.
Comment: This sequence change replaces threonine, which is neutral and polar, with isoleucine, which is neutral and non-polar, at codon 468 of the POMGNT1 protein (p.Thr468Ile). This variant is not present in population databases (gnomAD no frequency). This variant has not been reported in the literature in individuals affected with POMGNT1-related conditions. ClinVar contains an entry for this variant (Variation ID: 1060376). Advanced modeling of protein sequence and biophysical properties (such as structural, functional, and spatial information, amino acid conservation, physicochemical variation, residue mobility, and thermodynamic stability) performed at Invitae indicates that this missense variant is not expected to disrupt POMGNT1 protein function. In summary, the available evidence is currently insufficient to determine the role of this variant in disease. Therefore, it has been classified as a Variant of Uncertain Significance.